The following is an entry in ClinVar:

NM_138817.3(SLC7A13):c.214A>G (p.Ile72Val)

Gene: SLC7A13 (solute carrier family 7 member 13; minus strand). Cytogenetic location: 8q21.3.
Variant type: single nucleotide variant.
Coding change: c.214A>G on transcript NM_138817.3 (MANE Select); coding-DNA position 214, A replaced by G.
Protein change: p.Ile72Val; replaces isoleucine 72 with valine.
Molecular consequence: missense variant.
Genome position (GRCh38, 1-based): chr8:86,230,064, T>C on the plus strand (A>G on the coding strand, the complement: SLC7A13 is on the minus strand). VCF-style: chr8-86230064-T-C. GRCh37 (hg19) VCF-style: chr8-87242293-T-C.
Other names: short protein forms I72V.
Identifiers: ClinVar variation 2192326 (VCV002192326.4), dbSNP rs774658918, ClinGen allele CA4797878.

ClinVar aggregate classification (germline): Uncertain significance (1 of 4 stars; one submission).

Allele frequency attached by ClinVar (database versions not stated): gnomAD 0.00005; gnomAD exomes 0.00005; TOPMed 0.00008; ExAC 0.00010.

Submission:

Labcorp Genetics (formerly Invitae), Labcorp
Classification: Uncertain significance. Last evaluated: 2025-10-26. Review status: criteria provided, single submitter. Criteria: Invitae Variant Classification Sherloc (09022015). Collection method: clinical testing. Allele origin: germline.
Comment: This sequence change replaces isoleucine, which is neutral and non-polar, with valine, which is neutral and non-polar, at codon 72 of the SLC7A13 protein (p.Ile72Val). This variant is present in population databases (rs774658918, gnomAD 0.05%). This variant has not been reported in the literature in individuals affected with SLC7A13-related conditions. ClinVar contains an entry for this variant (Variation ID: 2192326). An algorithm developed to predict the effect of missense changes on protein structure and function outputs the following: PolyPhen-2: "Benign". The valine amino acid residue is found in multiple mammalian species, which suggests that this missense change does not adversely affect protein function. In summary, the available evidence is currently insufficient to determine the role of this variant in disease. Therefore, it has been classified as a Variant of Uncertain Significance.